The following is an entry in ClinVar:

NM_000059.4(BRCA2):c.1580C>G (p.Pro527Arg)

Gene: BRCA2 (BRCA2 DNA repair associated; plus strand). Cytogenetic location: 13q13.1.
Variant type: single nucleotide variant.
Coding change: c.1580C>G on transcript NM_000059.4 (MANE Select); coding-DNA position 1580, C replaced by G.
Protein change: p.Pro527Arg; replaces proline 527 with arginine.
Molecular consequence: missense variant. On other transcripts: non-coding transcript variant (1), intron variant (1).
Genome position (GRCh38, 1-based): chr13:32,333,058, C>G. VCF-style: chr13-32333058-C-G. GRCh37 (hg19) VCF-style: chr13-32907195-C-G.
Other names: c.1580C>G, p.Pro527Arg (NM_001406719.1, NM_001406720.1, NM_001406721.1); c.424+2028C>G (NM_001406722.1); short protein forms P527R.
Identifiers: ClinVar variation 2451555 (VCV002451555.4), dbSNP rs2072416877, ClinGen allele CA387764762.

ClinVar aggregate classification (germline): Uncertain significance. Review status: criteria provided, multiple submitters, no conflicts (2 of 4 stars). 2 submissions from 2 submitters: Uncertain significance (2). Last evaluated 2025-03-12.

Conditions:
Hereditary cancer-predisposing syndrome. Also called: Hereditary Cancer Syndrome; Neoplastic Syndromes, Hereditary; Tumor predisposition; Hereditary neoplastic syndrome. Identifiers: Orphanet 140162, MedGen C0027672, MeSH D009386, MONDO:0015356.

gnomAD v4.1: 1 of 1,609,660 alleles (0.000062%); no homozygotes.

Submissions (2):

Ambry Genetics
Classification: Uncertain significance for Hereditary cancer-predisposing syndrome. Last evaluated: 2025-03-12. Review status: criteria provided, single submitter. Criteria: Ambry Variant Classification Scheme 2023. Collection method: clinical testing. Allele origin: germline.
Comment: The p.P527R variant (also known as c.1580C>G), located in coding exon 9 of the BRCA2 gene, results from a C to G substitution at nucleotide position 1580. The proline at codon 527 is replaced by arginine, an amino acid with dissimilar properties. This amino acid position is not well conserved in available vertebrate species. In addition, this alteration is predicted to be tolerated by in silico analysis. Since supporting evidence is limited at this time, the clinical significance of this alteration remains unclear.

Blueprint Genetics
Classification: Uncertain significance. Last evaluated: 2023-08-07. Review status: criteria provided, single submitter. Criteria: ACMG Guidelines, 2015. Collection method: clinical testing. Allele origin: germline.